The following is an entry in ClinVar:

ClinVar aggregate classification (germline): Uncertain significance (1 of 4 stars; one submission).

Conditions:
Lissencephaly 9 with complex brainstem malformation. Identifiers: Orphanet 572013, MedGen C5193029, MONDO:0032677, OMIM 618325.

Submission:

Centre for Mendelian Genomics, University Medical Centre Ljubljana
Classification: Uncertain significance for Lissencephaly 9 with complex brainstem malformation. Last evaluated: 2020-02-27. Review status: criteria provided, single submitter. Criteria: ACMG Guidelines, 2015. Collection method: clinical testing. Allele origin: unknown. Affected: yes.
Comment: This variant was classified as: Uncertain significance. The available evidence on this variant's pathogenicity is insufficient or conflicting. The following ACMG criteria were applied in classifying this variant: PM2.

NM_001394062.1(MACF1):c.20952T>G (p.Asn6984Lys)

Gene: MACF1 (microtubule actin crosslinking factor 1; plus strand). Cytogenetic location: 1p34.3.
Variant type: single nucleotide variant.
Coding change: c.20952T>G on transcript NM_001394062.1 (MANE Select); coding-DNA position 20952, T replaced by G.
Protein change: p.Asn6984Lys; replaces asparagine 6984 with lysine.
Molecular consequence: missense variant.
Genome position (GRCh38, 1-based): chr1:39,454,974, T>G. VCF-style: chr1-39454974-T-G. GRCh37 (hg19) VCF-style: chr1-39920646-T-G.
Other names: c.14775T>G, p.Asn4925Lys (NM_012090.5); short protein forms N4925K, N6984K.
Identifiers: ClinVar variation 931697 (VCV000931697.3), dbSNP rs201053350, ClinGen allele CA20921707.